The following is an entry in ClinVar:

NM_000195.5(HPS1):c.1294_1298delinsT (p.Met432fs)

Gene: HPS1 (HPS1 biogenesis of lysosomal organelles complex 3 subunit 1; minus strand). Cytogenetic location: 10q24.2.
Variant type: Indel.
Coding change: c.1294_1298delinsT on transcript NM_000195.5 (MANE Select); coding-DNA positions 1294 to 1298, ATGGA replaced by T.
Protein change: p.Met432fs; shifts the reading frame from methionine 432.
Molecular consequence: frameshift variant.
Genome position (GRCh38, 1-based): chr10:98,425,578-98,425,582, TCCAT replaced by A on the plus strand (ATGGA replaced by T on the coding strand, the reverse complement: HPS1 is on the minus strand). VCF-style: chr10-98425578-TCCAT-A. GRCh37 (hg19) VCF-style: chr10-100185335-TCCAT-A.
Other names: c.322_326delinsT, p.Met108fs (NM_001311345.2, NM_001322487.2, NM_001322489.2); c.1294_1298delinsT, p.Met432fs (NM_001322476.2, NM_001322477.2); c.1195_1199delinsT, p.Met399fs (NM_001322478.2, NM_001322479.2); c.1033_1037delinsT, p.Met345fs (NM_001322480.2, NM_001322481.2); c.934_938delinsT, p.Met312fs (NM_001322482.2); c.925_929delinsT, p.Met309fs (NM_001322483.2, NM_001322484.2); c.826_830delinsT, p.Met276fs (NM_001322485.2); short protein forms M312fs, M276fs, M309fs, M399fs, M108fs, M345fs, M432fs.
Identifiers: ClinVar variation 2972666 (VCV002972666.4), dbSNP rs2538833105, ClinGen allele CA2695212509.

ClinVar aggregate classification (germline): Pathogenic. Review status: criteria provided, multiple submitters, no conflicts (2 of 4 stars). 2 submissions from 2 submitters: Pathogenic (2). Last evaluated 2026-07-01.

Conditions:
Hermansky-Pudlak syndrome 1 (HPS1). Also called: DELTA STORAGE POOL DISEASE. Identifiers: Orphanet 231500, Orphanet 79430, MedGen C2931875, MONDO:0008748, OMIM 203300.

Submissions (2):

Myriad Genetics, Inc.
Classification: Pathogenic for Hermansky-Pudlak syndrome 1. Last evaluated: 2026-07-01. Review status: criteria provided, single submitter. Criteria: Myriad Autosomal Dominant, Autosomal Recessive and X-Linked Classification Criteria (2023). Collection method: clinical testing. Allele origin: unknown.
Comment: NM_000195.3(HPS1):c.1294_1298del5ins1(M432Sfs*42) is expected to be pathogenic in the context of Hermansky-Pudlak syndrome, HPS1-related. This variant is predicted to lead to an abnormal or absent protein product due to the creation of a premature termination codon in HPS1, a gene where loss-of-function variants are known to be pathogenic. Please note: this variant was assessed in the context of healthy population screening.

Labcorp Genetics (formerly Invitae), Labcorp
Classification: Pathogenic. Last evaluated: 2024-03-02. Review status: criteria provided, single submitter. Criteria: Invitae Variant Classification Sherloc (09022015). Collection method: clinical testing. Allele origin: germline.
Comment: This sequence change creates a premature translational stop signal (p.Met432Serfs*42) in the HPS1 gene. It is expected to result in an absent or disrupted protein product. Loss-of-function variants in HPS1 are known to be pathogenic (PMID: 12442288, 16185271). Information on the frequency of this variant in the gnomAD database is not available, as this variant may be reported differently in the database. This premature translational stop signal has been observed in individual(s) with Hermansky–Pudlak syndrome (PMID: 31898847). For these reasons, this variant has been classified as Pathogenic.

Literature cited by the submitters: PubMed 12442288 (cited by Labcorp Genetics (formerly Invitae), Labcorp); PubMed 16185271 (cited by Labcorp Genetics (formerly Invitae), Labcorp); PubMed 31898847 (cited by Labcorp Genetics (formerly Invitae), Labcorp).